The following is an entry in ClinVar:

NM_058216.3(RAD51C):c.515T>C (p.Leu172Pro)

Gene: RAD51C (RAD51 paralog C; plus strand). Cytogenetic location: 17q22.
Variant type: single nucleotide variant.
Coding change: c.515T>C on transcript NM_058216.3 (MANE Select); coding-DNA position 515, T replaced by C.
Protein change: p.Leu172Pro; replaces leucine 172 with proline.
Molecular consequence: missense variant.
Genome position (GRCh38, 1-based): chr17:58,696,803, T>C. VCF-style: chr17-58696803-T-C. GRCh37 (hg19) VCF-style: chr17-56774164-T-C.
Other names: short protein forms L172P.
Identifiers: ClinVar variation 1171792 (VCV001171792.3), dbSNP rs2143747999, ClinGen allele CA400345042.

ClinVar aggregate classification (germline): Uncertain significance (1 of 4 stars; one submission).

Conditions:
Hereditary cancer-predisposing syndrome. Also called: Tumor predisposition; Hereditary neoplastic syndrome; Hereditary Cancer Syndrome; Neoplastic Syndromes, Hereditary. Identifiers: Orphanet 140162, MedGen C0027672, MeSH D009386, MONDO:0015356.

Allele frequency attached by ClinVar (database versions not stated): gnomAD exomes below 0.00001.
gnomAD v4.1: 1 of 1,614,186 alleles (0.000062%); highest among the groups gnomAD compares: South Asian, 0.0011%; no homozygotes.

Submission:

Color Diagnostics, LLC DBA Color Health
Classification: Uncertain significance for Hereditary cancer-predisposing syndrome. Last evaluated: 2024-03-06. Review status: criteria provided, single submitter. Criteria: ACMG Guidelines, 2015. Collection method: clinical testing. Allele origin: germline.
Comment: This missense variant replaces leucine with proline at codon 172 of the RAD51C protein. Computational prediction is inconclusive regarding the impact of this variant on protein structure and function (internally defined REVEL score threshold 0.5 < inconclusive < 0.7, PMID: 27666373). To our knowledge, functional studies have not been reported for this variant. This variant has not been reported in individuals affected with hereditary cancer in the literature. This variant has not been identified in the general population by the Genome Aggregation Database (gnomAD). The available evidence is insufficient to determine the role of this variant in disease conclusively. Therefore, this variant is classified as a Variant of Uncertain Significance.